The following is an entry in ClinVar:

ClinVar aggregate classification (germline): Uncertain significance (1 of 4 stars; one submission).

Conditions:
Spastic paraplegia. Identifiers: MedGen C0037772, HP:0001258.

Submission:

Labcorp Genetics (formerly Invitae), Labcorp
Classification: Uncertain significance for Spastic paraplegia. Last evaluated: 2021-11-06. Review status: criteria provided, single submitter. Criteria: Invitae Variant Classification Sherloc (09022015). Collection method: clinical testing. Allele origin: germline.
Comment: This variant is not present in population databases (gnomAD no frequency). This sequence change replaces isoleucine, which is neutral and non-polar, with threonine, which is neutral and polar, at codon 114 of the VAMP1 protein (p.Ile114Thr). This variant has not been reported in the literature in individuals affected with VAMP1-related conditions. Algorithms developed to predict the effect of missense changes on protein structure and function (SIFT, PolyPhen-2, Align-GVGD) all suggest that this variant is likely to be tolerated. In summary, the available evidence is currently insufficient to determine the role of this variant in disease. Therefore, it has been classified as a Variant of Uncertain Significance.

NM_014231.5(VAMP1):c.341T>C (p.Ile114Thr)

Genes: TAPBPL (TAP binding protein like; plus strand), VAMP1 (vesicle associated membrane protein 1; minus strand). Cytogenetic location: 12p13.31.
Variant type: single nucleotide variant.
Coding change: c.341T>C on transcript NM_014231.5 (MANE Select); coding-DNA position 341, T replaced by C.
Protein change: p.Ile114Thr; replaces isoleucine 114 with threonine.
Molecular consequence: missense variant. On other transcripts: 3 prime UTR variant (1), intron variant (2).
Genome position (GRCh38, 1-based): chr12:6,464,486, A>G on the plus strand (T>C on the coding strand, the complement: VAMP1 is on the minus strand). VCF-style: chr12-6464486-A-G. GRCh37 (hg19) VCF-style: chr12-6573652-A-G.
Other names: c.*390T>C (NM_199245.3); c.340+404T>C (NM_016830.4, NM_001297438.2); short protein forms I114T.
Identifiers: ClinVar variation 1361857 (VCV001361857.6), dbSNP rs2137003108, ClinGen allele CA383558625.